The following is an entry in ClinVar:

ClinVar aggregate classification (germline): Benign. Review status: criteria provided, multiple submitters, no conflicts (2 of 4 stars). 3 submissions from 3 submitters: Benign (3). Last evaluated 2026-02-04.

Allele frequency attached by ClinVar (database versions not stated): 1000 Genomes Project 30x 0.56480; 1000 Genomes Project 0.56689; TOPMed 0.62408; gnomAD 0.63873; ESP Exome Variant Server 0.64270; ExAC 0.69446; gnomAD exomes 0.74646.
gnomAD v4.1: 1,184,305 of 1,610,784 alleles (74%); highest among the groups gnomAD compares: Non-Finnish European, 78%; 443,284 homozygotes.

Submissions (3):

Labcorp Genetics (formerly Invitae), Labcorp
Classification: Benign. Last evaluated: 2026-02-04. Review status: criteria provided, single submitter. Criteria: Invitae Variant Classification Sherloc (09022015). Collection method: clinical testing. Allele origin: germline.

Women's Health and Genetics/Laboratory Corporation of America, LabCorp
Classification: Benign. Last evaluated: 2026-01-21. Review status: criteria provided, single submitter. Criteria: LabCorp Variant Classification Summary - May 2015. Collection method: clinical testing. Allele origin: germline.

Unidad de Genómica Garrahan, Hospital de Pediatría Garrahan
Classification: Benign. Last evaluated: 2024-01-24. Review status: criteria provided, single submitter. Criteria: ACMG Guidelines, 2015. Collection method: clinical testing. Allele origin: germline. Affected: no. Observed: 85 variant alleles.
Comment: This variant is classified as Benign based on local population frequency. This variant was detected in 89% of patients studied by a panel of primary immunodeficiencies. Number of patients: 85. Only high quality variants are reported.

NM_133372.3(FNIP1):c.3422+15T>C

Gene: FNIP1 (folliculin interacting protein 1; minus strand). Cytogenetic location: 5q31.1.
Variant type: single nucleotide variant.
Coding change: c.3422+15T>C on transcript NM_133372.3 (MANE Select); 15 bases into the intron after coding-DNA position 3422, T replaced by C.
Molecular consequence: intron variant.
Genome position (GRCh38, 1-based): chr5:131,647,075, A>G on the plus strand (T>C on the coding strand, the complement: FNIP1 is on the minus strand). VCF-style: chr5-131647075-A-G. GRCh37 (hg19) VCF-style: chr5-130982768-A-G.
Other names: c.3287+15T>C (NM_001346114.2); c.3338+15T>C (NM_001008738.3).
Identifiers: ClinVar variation 2413988 (VCV002413988.9), dbSNP rs26006, ClinGen allele CA3400335.
Genomic context (GRCh38, chr5:131,647,075, plus strand): 5'-GGCAATTCTGAGGAAAATTCCTTGCCTGATGACAGGGCAATGAAAGCAAAGCCAAAAAAG[A>G]AACCATTAACATACCCCAGAACCACTCCCAGCTCCTTGACATGAACACGCATCTGCCCCC-3'